The following is an entry in ClinVar:

NM_000350.3(ABCA4):c.3328+645T>C

Gene: ABCA4 (ATP binding cassette subfamily A member 4; minus strand). Cytogenetic location: 1p22.1.
Variant type: single nucleotide variant.
Coding change: c.3328+645T>C on transcript NM_000350.3 (MANE Select); 645 bases into the intron after coding-DNA position 3328, T replaced by C.
Molecular consequence: intron variant.
Genome position (GRCh38, 1-based): chr1:94,042,116, A>G on the plus strand (T>C on the coding strand, the complement: ABCA4 is on the minus strand). VCF-style: chr1-94042116-A-G. GRCh37 (hg19) VCF-style: chr1-94507672-A-G.
Identifiers: ClinVar variation 2638931 (VCV002638931.24), dbSNP rs867954316, ClinGen allele CA26864764.
Genomic context (GRCh38, chr1:94,042,116, plus strand): 5'-GCCACTGCACTCCAGCCTGCGCGACAGAGCGAGATTCTGTCTCAAAAAAAAAAAAAAAAA[A>G]AAAAGAAAAGAAAGAAAGAAAATAGCAATGAGGATTTCAGGATGACAAACCCTCAGAGAA-3'

ClinVar aggregate classification (germline): Likely benign (1 of 4 stars; one submission).

Allele frequency attached by ClinVar (database versions not stated): gnomAD 0.00650; TOPMed 0.00781.
gnomAD v4.1: 971 of 151,196 alleles (0.64%); highest among the groups gnomAD compares: Middle Eastern, 1.4%; 4 homozygotes.

Submission:

CeGaT Center for Human Genetics Tuebingen
Classification: Likely benign. Last evaluated: 2026-06-01. Review status: criteria provided, single submitter. Criteria: CeGaT Center For Human Genetics Tuebingen Variant Classification Criteria Version 2. Collection method: clinical testing. Allele origin: germline. Affected: yes. Observed: 7 variant alleles.
Comment: ABCA4: BS2